The following is an entry in ClinVar:

NM_015311.3(OBSL1):c.5281G>A (p.Gly1761Arg)

Gene: OBSL1 (obscurin like cytoskeletal adaptor 1; minus strand). Cytogenetic location: 2q35.
Variant type: single nucleotide variant.
Coding change: c.5281G>A on transcript NM_015311.3 (MANE Select); coding-DNA position 5281, G replaced by A.
Protein change: p.Gly1761Arg; replaces glycine 1761 with arginine.
Molecular consequence: missense variant.
Genome position (GRCh38, 1-based): chr2:219,552,563, C>T on the plus strand (G>A on the coding strand, the complement: OBSL1 is on the minus strand). VCF-style: chr2-219552563-C-T. GRCh37 (hg19) VCF-style: chr2-220417285-C-T.
Other names: short protein forms G1761R.
Identifiers: ClinVar variation 2175514 (VCV002175514.4), dbSNP rs1375594329, ClinGen allele CA350718347.
Genomic context (GRCh38, chr2:219,552,563, plus strand): 5'-GAGGGGCCCGAAAGGGTAACCAGGCGGGCAGACCTTCCTGTCGGATGCGGACGCGGGCTC[C>T]GGGTCTCAGCGGGCGGCCTCCGAGCTCCCAGCGCCCCGTGGTCTCGACCTCCGACACGGT-3'
Protein context (NP_056126.1, residues 1751-1771): WELGGRPLRP[Gly1761Arg]ARVRIRQEGK

ClinVar aggregate classification (germline): Uncertain significance (1 of 4 stars; one submission).

Allele frequency attached by ClinVar (database versions not stated): gnomAD exomes below 0.00001.
gnomAD v4.1: 2 of 1,595,374 alleles (0.00013%); highest among the groups gnomAD compares: Admixed American, 0.0034%; no homozygotes.

Submission:

Labcorp Genetics (formerly Invitae), Labcorp
Classification: Uncertain significance. Last evaluated: 2022-03-02. Review status: criteria provided, single submitter. Criteria: Invitae Variant Classification Sherloc (09022015). Collection method: clinical testing. Allele origin: germline.
Comment: In summary, the available evidence is currently insufficient to determine the role of this variant in disease. Therefore, it has been classified as a Variant of Uncertain Significance. Algorithms developed to predict the effect of missense changes on protein structure and function are either unavailable or do not agree on the potential impact of this missense change (SIFT: "Tolerated"; PolyPhen-2: "Possibly Damaging"; Align-GVGD: "Class C0"). This variant has not been reported in the literature in individuals affected with OBSL1-related conditions. The frequency data for this variant in the population databases is considered unreliable, as metrics indicate poor data quality at this position in the gnomAD database. This sequence change replaces glycine, which is neutral and non-polar, with arginine, which is basic and polar, at codon 1761 of the OBSL1 protein (p.Gly1761Arg).